The following is an entry in ClinVar:

NM_001267550.2(TTN):c.81526C>T (p.Arg27176Cys)

Genes: TTN-AS1 (TTN antisense RNA 1; plus strand), TTN (titin; minus strand). Cytogenetic location: 2q31.2.
Variant type: single nucleotide variant.
Coding change: c.81526C>T on transcript NM_001267550.2 (MANE Select); coding-DNA position 81526, C replaced by T.
Protein change: p.Arg27176Cys; replaces arginine 27176 with cysteine.
Molecular consequence: missense variant.
Genome position (GRCh38, 1-based): chr2:178,564,606, G>A on the plus strand (C>T on the coding strand, the complement: TTN is on the minus strand). VCF-style: chr2-178564606-G-A. GRCh37 (hg19) VCF-style: chr2-179429333-G-A.
Other names: p.Arg25535Cys; c.76603C>T, p.Arg25535Cys (NM_001256850.1); c.54331C>T, p.Arg18111Cys (NM_003319.4); c.73822C>T, p.Arg24608Cys (NM_133378.4); c.54706C>T, p.Arg18236Cys (NM_133432.3); c.54907C>T, p.Arg18303Cys (NM_133437.4); short protein forms R18111C, R18236C, R18303C, R24608C, R25535C, R27176C.
Identifiers: ClinVar variation 1209090 (VCV001209090.8), dbSNP rs778385749, ClinGen allele CA1989197.

ClinVar aggregate classification (germline): Uncertain significance. Review status: criteria provided, multiple submitters, no conflicts (2 of 4 stars). 4 submissions from 4 submitters: Uncertain significance (4). Last evaluated 2025-07-14.

Conditions:
Myopathy, myofibrillar, 9, with early respiratory failure (MFM9). Also called: EDSTROM MYOPATHY; MYOPATHY, PROXIMAL, WITH EARLY RESPIRATORY MUSCLE INVOLVEMENT; Hereditary myopathy with early respiratory failure; Myopathy, distal, with early respiratory failure, autosomal dominant. Identifiers: Orphanet 178464, Orphanet 34521, MedGen C1863599, MONDO:0011362, OMIM 603689.
Hypertrophic cardiomyopathy 9. Also called: Familial hypertrophic cardiomyopathy 9. Identifiers: MedGen C1861065, MONDO:0013412, OMIM 613765.
Dilated cardiomyopathy 1G (CMD1G). Identifiers: Orphanet 154, MedGen C1858763, MONDO:0011400, OMIM 604145.
Tibial muscular dystrophy (TMD). Also called: Udd Distal Myopathy – Tibial Muscular Dystrophy; UDD MYOPATHY; Tibial muscular dystrophy, tardive. Identifiers: Orphanet 609, MedGen C1838244, MONDO:0010870, OMIM 600334.
Early-onset myopathy with fatal cardiomyopathy (CMYO5). Also called: Salih Myopathy; CONGENITAL MYOPATHY 5 WITH CARDIOMYOPATHY. Identifiers: Orphanet 289377, MedGen C2673677, MONDO:0012714, OMIM 611705. Disease mechanism: loss of function.
Autosomal recessive limb-girdle muscular dystrophy type 2J (LGMDR10). Also called: Limb-girdle muscular dystrophy, type 2J; MUSCULAR DYSTROPHY, LIMB-GIRDLE, AUTOSOMAL RECESSIVE 10. Identifiers: Orphanet 140922, MedGen C1837342, MONDO:0012127, OMIM 608807.

Allele frequency attached by ClinVar (database versions not stated): ExAC 0.00002.
gnomAD v4.1: 39 of 1,613,428 alleles (0.0024%); highest among the groups gnomAD compares: Non-Finnish European, 0.0031%; no homozygotes.

Submissions (4):

Mayo Clinic Laboratories, Mayo Clinic
Classification: Uncertain significance. Last evaluated: 2025-07-14. Review status: criteria provided, single submitter. Criteria: ACMG Guidelines, 2015. Collection method: clinical testing. Allele origin: germline. Observed: 3 variant alleles.
Comment: BP1, PM2_supporting

Women's Health and Genetics/Laboratory Corporation of America, LabCorp
Classification: Uncertain significance. Last evaluated: 2023-01-29. Review status: criteria provided, single submitter. Criteria: LabCorp Variant Classification Summary - May 2015. Collection method: clinical testing. Allele origin: germline.

Department of Pathology and Laboratory Medicine, Sinai Health System
Classification: Uncertain significance for Tibial muscular dystrophy; Myopathy, myofibrillar, 9, with early respiratory failure; Dilated cardiomyopathy 1G; Autosomal recessive limb-girdle muscular dystrophy type 2J; Early-onset myopathy with fatal cardiomyopathy; Hypertrophic cardiomyopathy 9. Last evaluated: 2022-08-08. Review status: criteria provided, single submitter. Criteria: ACMG Guidelines, 2015. Collection method: research. Allele origin: germline.

GeneDx
Classification: Uncertain significance. Last evaluated: 2020-05-26. Review status: criteria provided, single submitter. Criteria: GeneDx Variant Classification Process June 2021. Collection method: clinical testing. Allele origin: germline. Affected: yes.
Comment: Not observed at a significant frequency in large population cohorts (Lek et al., 2016); Missense variant in a gene in which most reported pathogenic variants are truncating/loss-of-function; Has not been previously published as pathogenic or benign to our knowledge